The following is an entry in ClinVar:

NM_000079.4(CHRNA1):c.43+233A>G

Gene: CHRNA1 (cholinergic receptor nicotinic alpha 1 subunit; minus strand). Cytogenetic location: 2q31.1.
Variant type: single nucleotide variant.
Coding change: c.43+233A>G on transcript NM_000079.4 (MANE Select); 233 bases into the intron after coding-DNA position 43, A replaced by G.
Molecular consequence: intron variant.
Genome position (GRCh38, 1-based): chr2:174,764,119, T>C on the plus strand (A>G on the coding strand, the complement: CHRNA1 is on the minus strand). VCF-style: chr2-174764119-T-C. GRCh37 (hg19) VCF-style: chr2-175628847-T-C.
Other names: NC_000002.11:g.175628847T>C; c.43+233A>G (NM_001039523.3).
Identifiers: ClinVar variation 679127 (VCV000679127.3), dbSNP rs2600684, ClinGen allele CA60860949.

ClinVar aggregate classification (germline): Benign. Review status: criteria provided, multiple submitters, no conflicts (2 of 4 stars). 2 submissions from 2 submitters: Benign (2). Last evaluated 2018-06-16.

Allele frequency attached by ClinVar (database versions not stated): TOPMed 0.99657; gnomAD 0.99713 and 0.99736; 1000 Genomes Project 0.99800; 1000 Genomes Project 30x 0.99828.
gnomAD v4.1: 151,931 of 152,330 alleles (100%); highest among the groups gnomAD compares: Middle Eastern, 100%; 75,766 homozygotes.

Submissions (5):

GeneDx
Classification: Benign. Last evaluated: 2018-06-16. Review status: criteria provided, single submitter. Criteria: GeneDx Variant Classification (06012015). Collection method: clinical testing. Allele origin: germline. Affected: yes.
Comment: This variant is considered likely benign or benign based on one or more of the following criteria: it is a conservative change, it occurs at a poorly conserved position in the protein, it is predicted to be benign by multiple in silico algorithms, and/or has population frequency not consistent with disease.

Breakthrough Genomics
Classification: Benign. Review status: criteria provided, single submitter. Criteria: ACMG Guidelines, 2015. Collection method: not provided. Allele origin: germline. Inheritance: Autosomal recessive inheritance. Affected: yes.

Dr. Peter K. Rogan Lab, Western University
No classification provided (evidence only). Condition: Lung cancer. Review status: no classification provided. Collection method: in vitro. Allele origin: not applicable. Functional consequence: retained intron. Not counted in ClinVar's aggregate classification.

Dr. Peter K. Rogan Lab, Western University
No classification provided (evidence only). Condition: Gastric cancer. Review status: no classification provided. Collection method: in vitro. Allele origin: not applicable. Functional consequence: retained intron. Not counted in ClinVar's aggregate classification.

Dr. Peter K. Rogan Lab, Western University
No classification provided (evidence only). Condition: Uterine carcinosarcoma. Review status: no classification provided. Collection method: in vitro. Allele origin: not applicable. Functional consequence: retained intron. Not counted in ClinVar's aggregate classification.